The following is an entry in ClinVar:

ClinVar aggregate classification (germline): Uncertain significance. Review status: criteria provided, multiple submitters, no conflicts (2 of 4 stars). 2 submissions from 2 submitters: Uncertain significance (2). Last evaluated 2023-10-22.

Conditions:
Hereditary sensory and autonomic neuropathy type 1 (HSAN1). Also called: HSAN 1; HSN Type I; Hereditary Sensory Neuropathy Type I. Identifiers: Orphanet 36386, MedGen C0020071, MONDO:0018213.

Allele frequency attached by ClinVar (database versions not stated): gnomAD exomes 0.00001.
gnomAD v4.1: 7 of 1,613,846 alleles (0.00043%); highest among the groups gnomAD compares: Non-Finnish European, 0.00059%; no homozygotes.

Submissions (2):

GeneDx
Classification: Uncertain significance. Last evaluated: 2023-10-22. Review status: criteria provided, single submitter. Criteria: GeneDx Variant Classification Process June 2021. Collection method: clinical testing. Allele origin: germline. Affected: yes.
Comment: Not observed at significant frequency in large population cohorts (gnomAD); Nonsense variant predicted to result in protein truncation or nonsense mediated decay in a gene or region of a gene for which loss of function is not a well-established mechanism of disease; Has not been previously published as pathogenic or benign to our knowledge

Labcorp Genetics (formerly Invitae), Labcorp
Classification: Uncertain significance for Hereditary sensory and autonomic neuropathy type 1. Last evaluated: 2022-06-27. Review status: criteria provided, single submitter. Criteria: Invitae Variant Classification Sherloc (09022015). Collection method: clinical testing. Allele origin: germline.
Comment: In summary, the available evidence is currently insufficient to determine the role of this variant in disease. Therefore, it has been classified as a Variant of Uncertain Significance. ClinVar contains an entry for this variant (Variation ID: 855466). This variant has not been reported in the literature in individuals affected with SPTLC1-related conditions. This variant is not present in population databases (gnomAD no frequency). This sequence change creates a premature translational stop signal (p.Glu223*) in the SPTLC1 gene. It is expected to result in an absent or disrupted protein product. However, the current clinical and genetic evidence is not sufficient to establish whether loss-of-function variants in SPTLC1 cause disease.

NM_006415.4(SPTLC1):c.667G>T (p.Glu223Ter)

Gene: SPTLC1 (serine palmitoyltransferase long chain base subunit 1; minus strand). Cytogenetic location: 9q22.31.
Variant type: single nucleotide variant.
Coding change: c.667G>T on transcript NM_006415.4 (MANE Select); coding-DNA position 667, G replaced by T.
Protein change: p.Glu223Ter; replaces glutamic acid 223 with a stop codon.
Molecular consequence: nonsense.
Genome position (GRCh38, 1-based): chr9:92,059,202, C>A on the plus strand (G>T on the coding strand, the complement: SPTLC1 is on the minus strand). VCF-style: chr9-92059202-C-A. GRCh37 (hg19) VCF-style: chr9-94821484-C-A.
Other names: c.667G>T, p.Glu223Ter (NM_001281303.2); c.301G>T, p.Glu101Ter (NM_001368272.1); c.202G>T, p.Glu68Ter (NM_001368273.1); c.667G>T (NM_006415.2); short protein forms E101*, E223*, E68*.
Identifiers: ClinVar variation 855466 (VCV000855466.8), dbSNP rs1834001897, ClinGen allele CA373795621.